The following is an entry in ClinVar:

ClinVar aggregate classification (germline): Likely pathogenic. Review status: reviewed by expert panel (3 of 4 stars). 2 submissions from 2 submitters: Likely pathogenic (1). 1 of the submissions does not count toward it. Last evaluated 2026-10-02.

Conditions:
Hereditary thrombocytopenia and hematological cancer predisposition syndrome associated with RUNX1. Also called: PLATELET DISORDER, ASPIRIN-LIKE; Familial Platelet Disorder with Propensity to Acute Myelogenous Leukemia; Familial thrombocytopenia with propensity to acute myelogenous leukemia; RUNX1 Familial Platelet Disorder with Associated Myeloid Malignancies. Identifiers: Orphanet 71290, MedGen C1832388, MeSH C563324, MONDO:0100083, OMIM 601399.
Hereditary thrombocytopenia and hematologic cancer predisposition syndrome. Identifiers: Orphanet 71290, MedGen CN281654, MONDO:0011071.

Submissions (2):

ClinGen Myeloid Malignancy Variant Curation Expert Panel
Classification: Likely pathogenic for Hereditary thrombocytopenia and hematologic cancer predisposition syndrome. Last evaluated: 2026-10-02. Review status: reviewed by expert panel. Criteria: ClinGen MyeloMalig ACMG Specifications V3.1. Collection method: curation. Allele origin: germline. Inheritance: Autosomal dominant inheritance.
Comment: NM_001754.5(RUNX1):c.1014_1033del (p.Leu339ProfsTer?) is a frameshift variant which is not predicted to undergo NMD (PVS1_Strong). This variant is downstream of c.98 (PM5_Supporting) and is completely absent from all population databases with at least 20x coverage for RUNX1 (PM2_Supporting). In summary, this variant meets criteria to be classified as likely pathogenic. ACMG/AMP criteria applied, as specified by the Myeloid Malignancy Variant Curation Expert Panel for RUNX1: PVS1_Strong, PM5_Supporting, PM2_Supporting.

Labcorp Genetics (formerly Invitae), Labcorp
Classification: Uncertain significance for Hereditary thrombocytopenia and hematological cancer predisposition syndrome associated with RUNX1. Last evaluated: 2023-05-15. Review status: criteria provided, single submitter. Criteria: Invitae Variant Classification Sherloc (09022015). Collection method: clinical testing. Allele origin: germline. Not counted in ClinVar's aggregate classification.
Comment: In summary, the available evidence is currently insufficient to determine the role of this variant in disease. Therefore, it has been classified as a Variant of Uncertain Significance. Experimental studies and prediction algorithms are not available or were not evaluated, and the functional significance of this variant is currently unknown. This variant has not been reported in the literature in individuals affected with RUNX1-related conditions. This variant is not present in population databases (gnomAD no frequency). This sequence change results in a frameshift in the RUNX1 gene (p.Leu339Profs*254). While this is not anticipated to result in nonsense mediated decay, it is expected to disrupt the last 142 amino acid(s) of the RUNX1 protein and extend the protein by 112 additional amino acid residues.

NM_001754.5(RUNX1):c.1014_1033del (p.Leu339fs)

Gene: RUNX1 (RUNX family transcription factor 1; minus strand). Cytogenetic location: 21q22.12.
Variant type: Deletion.
Coding change: c.1014_1033del on transcript NM_001754.5 (MANE Select); coding-DNA positions 1014 to 1033, 20 bases deleted (GCTGCCCTCCATCTCCGACC).
Protein change: p.Leu339fs; shifts the reading frame from leucine 339.
Molecular consequence: frameshift variant.
Genome position (GRCh38, 1-based): chr21:34,792,545-34,792,564, GGTCGGAGATGGAGGGCAGC deleted on the plus strand (GCTGCCCTCCATCTCCGACC on the coding strand, the reverse complement: RUNX1 is on the minus strand); deleting any 20 consecutive bases within chr21:34,792,545-34,792,565 gives the same sequence; the c. name uses the placement nearest the transcript's 3' end. VCF-style (leftmost placement, unchanged base first): chr21-34792544-GGGTCGGAGATGGAGGGCAGC-G. GRCh37 (hg19) VCF-style: chr21-36164841-GGGTCGGAGATGGAGGGCAGC-G.
Other names: NM_001754.5(RUNX1):c.1014_1033del; p.Leu339fs; c.933_952del, p.Leu312fs (NM_001001890.3); short protein forms L312fs, L339fs.
Identifiers: ClinVar variation 2840535 (VCV002840535.5), dbSNP rs2516824139, ClinGen allele CA2739267607.